The following is an entry in ClinVar:

ClinVar aggregate classification (germline): Conflicting classifications of pathogenicity. Review status: criteria provided, conflicting classifications (1 of 4 stars). 4 submissions from 4 submitters: Uncertain significance (3); Likely benign (1). Last evaluated 2025-08-18.

Conditions:
Progressive microcephaly-seizures-cortical blindness-developmental delay syndrome. Also called: Seizures, cortical blindness, and microcephaly syndrome. Identifiers: Orphanet 477814, MedGen C5567650, MONDO:0014714, OMIM 616632.
Autosomal dominant nonsyndromic hearing loss 1. Also called: KONIGSMARK SYNDROME; DEAFNESS, AUTOSOMAL DOMINANT 1, WITH OR WITHOUT THROMBOCYTOPENIA. Identifiers: Orphanet 90635, MedGen C1852282, MONDO:0007424, OMIM 124900.
Inborn genetic diseases. Identifiers: MedGen C0950123, MeSH D030342.

Allele frequency attached by ClinVar (database versions not stated): gnomAD exomes 0.00002 and 0.00004; ExAC 0.00004; gnomAD 0.00006 and 0.00007; TOPMed 0.00007.
gnomAD v4.1: 40 of 1,614,088 alleles (0.0025%); highest among the groups gnomAD compares: Middle Eastern, 0.066%; no homozygotes.

Submissions (4):

Labcorp Genetics (formerly Invitae), Labcorp
Classification: Uncertain significance for Progressive microcephaly-seizures-cortical blindness-developmental delay syndrome; Autosomal dominant nonsyndromic hearing loss 1. Last evaluated: 2025-08-18. Review status: criteria provided, single submitter. Criteria: Invitae Variant Classification Sherloc (09022015). Collection method: clinical testing. Allele origin: germline.
Comment: This sequence change replaces arginine, which is basic and polar, with cysteine, which is neutral and slightly polar, at codon 968 of the DIAPH1 protein (p.Arg968Cys). This variant is present in population databases (rs777195456, gnomAD 0.008%). This variant has not been reported in the literature in individuals affected with DIAPH1-related conditions. ClinVar contains an entry for this variant (Variation ID: 287606). An algorithm developed to predict the effect of missense changes on protein structure and function (PolyPhen-2) suggests that this variant is likely to be disruptive. In summary, the available evidence is currently insufficient to determine the role of this variant in disease. Therefore, it has been classified as a Variant of Uncertain Significance.

Ambry Genetics
Classification: Likely benign for Inborn genetic diseases. Last evaluated: 2023-12-06. Review status: criteria provided, single submitter. Criteria: Ambry Variant Classification Scheme 2023. Collection method: clinical testing. Allele origin: germline.

Blueprint Genetics
Classification: Uncertain significance. Last evaluated: 2023-06-13. Review status: criteria provided, single submitter. Criteria: ACMG Guidelines, 2015. Collection method: clinical testing. Allele origin: germline.

Eurofins Ntd Llc (ga)
Classification: Uncertain significance. Last evaluated: 2016-06-07. Review status: criteria provided, single submitter. Criteria: EGL Classification Definitions 2015. Collection method: clinical testing. Allele origin: germline. Observed: 1 variant allele, 1 heterozygote.

NM_005219.5(DIAPH1):c.2902C>T (p.Arg968Cys)

Gene: DIAPH1 (diaphanous related formin 1; minus strand). Cytogenetic location: 5q31.3.
Variant type: single nucleotide variant.
Coding change: c.2902C>T on transcript NM_005219.5 (MANE Select); coding-DNA position 2902, C replaced by T.
Protein change: p.Arg968Cys; replaces arginine 968 with cysteine.
Molecular consequence: missense variant.
Genome position (GRCh38, 1-based): chr5:141,528,818, G>A on the plus strand (C>T on the coding strand, the complement: DIAPH1 is on the minus strand). VCF-style: chr5-141528818-G-A. GRCh37 (hg19) VCF-style: chr5-140908385-G-A.
Other names: c.2902C>T (NM_005219.4); c.2875C>T, p.Arg959Cys (NM_001079812.3); c.2902C>T, p.Arg968Cys (NM_001314007.2); short protein forms R968C, R959C.
Identifiers: ClinVar variation 287606 (VCV000287606.15), dbSNP rs777195456, ClinGen allele CA3478932.